The following is an entry in ClinVar:

ClinVar aggregate classification (germline): Likely benign (1 of 4 stars; one submission).

gnomAD v4.1: 3 of 1,614,024 alleles (0.00019%); highest among the groups gnomAD compares: African/African-American, 0.0013%; no homozygotes.

Submission:

CeGaT Center for Human Genetics Tuebingen
Classification: Likely benign. Last evaluated: 2024-11-01. Review status: criteria provided, single submitter. Criteria: CeGaT Center For Human Genetics Tuebingen Variant Classification Criteria Version 2. Collection method: clinical testing. Allele origin: germline. Affected: yes. Observed: 1 variant allele.
Comment: REST: BP4, BP7

NM_005612.5(REST):c.1449G>A (p.Val483=)

Gene: REST (RE1 silencing transcription factor; plus strand). Cytogenetic location: 4q12.
Variant type: single nucleotide variant.
Coding change: c.1449G>A on transcript NM_005612.5 (MANE Select); coding-DNA position 1449, G replaced by A.
Protein change: p.Val483=; no amino-acid change (valine 483 retained).
Molecular consequence: synonymous variant.
Genome position (GRCh38, 1-based): chr4:56,930,307, G>A. VCF-style: chr4-56930307-G-A. GRCh37 (hg19) VCF-style: chr4-57796473-G-A.
Other names: c.1449G>A, p.Val483= (NM_001193508.2, NM_001363453.3).
Identifiers: ClinVar variation 3389515 (VCV003389515.14).